The following is an entry in ClinVar:

NM_001355436.2(SPTB):c.5553+20G>A

Gene: SPTB (spectrin beta, erythrocytic; minus strand). Cytogenetic location: 14q23.3.
Variant type: single nucleotide variant.
Coding change: c.5553+20G>A on transcript NM_001355436.2 (MANE Select); 20 bases into the intron after coding-DNA position 5553, G replaced by A.
Molecular consequence: intron variant.
Genome position (GRCh38, 1-based): chr14:64,772,560, C>T on the plus strand (G>A on the coding strand, the complement: SPTB is on the minus strand). VCF-style: chr14-64772560-C-T. GRCh37 (hg19) VCF-style: chr14-65239278-C-T.
Other names: p.?; c.5553+20G>A (NM_001024858.4, NM_001355437.2).
Identifiers: ClinVar variation 4683874 (VCV004683874.1).
Genomic context (GRCh38, chr14:64,772,560, plus strand): 5'-CCTGCTGACAGCCAGGTGGGGACTGACACCCAGGGCTCCTGGAAATTGGTAGCAGGTGGG[C>T]GGCAGGGGGCTGAAGGTACCTGGACACCCAGCAGGTGGAGCTCCCGCTCGAAGGCTGTGT-3'

ClinVar aggregate classification (germline): Likely benign (1 of 4 stars; one submission).

gnomAD v4.1: 48 of 1,601,082 alleles (0.003%); highest among the groups gnomAD compares: South Asian, 0.0066%; no homozygotes.

Submission:

Mayo Clinic Laboratories, Mayo Clinic
Classification: Likely benign. Last evaluated: 2024-10-23. Review status: criteria provided, single submitter. Criteria: ACMG Guidelines, 2015. Collection method: clinical testing. Allele origin: germline. Observed: 1 variant allele.
Comment: BP4, BP7, PM2_supporting